The following is an entry in ClinVar:

NM_001267550.2(TTN):c.35580A>T (p.Glu11860Asp)

Gene: TTN (titin; minus strand). Cytogenetic location: 2q31.2.
Variant type: single nucleotide variant.
Coding change: c.35580A>T on transcript NM_001267550.2 (MANE Select); coding-DNA position 35580, A replaced by T.
Protein change: p.Glu11860Asp; replaces glutamic acid 11860 with aspartic acid.
Molecular consequence: missense variant. On other transcripts: intron variant (5).
Genome position (GRCh38, 1-based): chr2:178,667,687, T>A on the plus strand (A>T on the coding strand, the complement: TTN is on the minus strand). VCF-style: chr2-178667687-T-A. GRCh37 (hg19) VCF-style: chr2-179532414-T-A.
Other names: c.13283-25370A>T (NM_003319.4); c.13859-25370A>T (NM_133437.4); c.13658-25370A>T (NM_133432.3); c.31483+2531A>T (NM_133378.4); c.34264+2531A>T (NM_001256850.1); short protein forms E11860D.
Identifiers: ClinVar variation 4689551 (VCV004689551.1).

ClinVar aggregate classification (germline): Uncertain significance (1 of 4 stars; one submission).

Submission:

Women's Health and Genetics/Laboratory Corporation of America, LabCorp
Classification: Uncertain significance. Last evaluated: 2026-01-27. Review status: criteria provided, single submitter. Criteria: LabCorp Variant Classification Summary - May 2015. Collection method: clinical testing. Allele origin: germline.
Comment: Variant summary: TTN c.31483+2531A>T is located at a position not widely known to affect splicing. This variant corresponds to c.35580A>T (p.Glu11860Asp) in NM_001267550. Consensus agreement among computation tools predict no significant impact on normal splicing. However, these predictions have yet to be confirmed by functional studies. The variant was absent in 228654 control chromosomes. The available data on variant occurrences in the general population are insufficient to allow any conclusion about variant significance. To our knowledge, no occurrence of c.31483+2531A>T in individuals affected with TTN-related conditions and no experimental evidence demonstrating its impact on protein function have been reported. No submitters have cited clinical-significance assessments for this variant to ClinVar. Based on the evidence outlined above, the variant was classified as uncertain significance.